The following is an entry in ClinVar:

ClinVar aggregate classification (germline): Uncertain significance (1 of 4 stars; one submission).

Conditions:
Autosomal dominant polycystic kidney disease. Identifiers: Orphanet 730, MedGen C0085413, MONDO:0004691.

Submission:

Labcorp Genetics (formerly Invitae), Labcorp
Classification: Uncertain significance for Autosomal dominant polycystic kidney disease. Last evaluated: 2026-01-24. Review status: criteria provided, single submitter. Criteria: Invitae Variant Classification Sherloc (09022015). Collection method: clinical testing. Allele origin: germline.
Comment: This sequence change replaces glycine, which is neutral and non-polar, with valine, which is neutral and non-polar, at codon 707 of the PKD2 protein (p.Gly707Val). This variant is not present in population databases (gnomAD no frequency). This variant has not been reported in the literature in individuals affected with PKD2-related conditions. An algorithm developed to predict the effect of missense changes on protein structure and function (PolyPhen-2) suggests that this variant is likely to be disruptive. In summary, the available evidence is currently insufficient to determine the role of this variant in disease. Therefore, it has been classified as a Variant of Uncertain Significance.

NM_000297.4(PKD2):c.2120G>T (p.Gly707Val)

Gene: PKD2 (polycystin 2, transient receptor potential cation channel; plus strand). Cytogenetic location: 4q22.1.
Variant type: single nucleotide variant.
Coding change: c.2120G>T on transcript NM_000297.4 (MANE Select); coding-DNA position 2120, G replaced by T.
Protein change: p.Gly707Val; replaces glycine 707 with valine.
Molecular consequence: missense variant. On other transcripts: non-coding transcript variant (1).
Genome position (GRCh38, 1-based): chr4:88,065,375, G>T. VCF-style: chr4-88065375-G-T. GRCh37 (hg19) VCF-style: chr4-88986527-G-T.
Other names: c.1895G>T, p.Gly632Val (NM_001440544.1); short protein forms G632V, G707V.
Identifiers: ClinVar variation 4807465 (VCV004807465.1).